The following is an entry in ClinVar:

NM_052924.3(RHPN1):c.159C>T (p.Gly53=)

Gene: RHPN1 (rhophilin Rho GTPase binding protein 1; plus strand). Cytogenetic location: 8q24.3.
Variant type: single nucleotide variant.
Coding change: c.159C>T on transcript NM_052924.3 (MANE Select); coding-DNA position 159, C replaced by T.
Protein change: p.Gly53=; no amino-acid change (glycine 53 retained).
Molecular consequence: synonymous variant.
Genome position (GRCh38, 1-based): chr8:143,375,651, C>T. VCF-style: chr8-143375651-C-T. GRCh37 (hg19) VCF-style: chr8-144457821-C-T.
Identifiers: ClinVar variation 715734 (VCV000715734.27), dbSNP rs144295575, ClinGen allele CA4909140.

ClinVar aggregate classification (germline): Benign/Likely benign. Review status: criteria provided, multiple submitters, no conflicts (2 of 4 stars). 2 submissions from 2 submitters: Benign (1); Likely benign (1). Last evaluated 2022-09-01.

Allele frequency attached by ClinVar (database versions not stated): 1000 Genomes Project 30x 0.00125; 1000 Genomes Project 0.00160; TOPMed 0.00213; ESP Exome Variant Server 0.00308; gnomAD 0.00319.
gnomAD v4.1: 4,964 of 1,607,634 alleles (0.31%); highest among the groups gnomAD compares: Non-Finnish European, 0.33%; 15 homozygotes.

Submissions (2):

CeGaT Center for Human Genetics Tuebingen
Classification: Likely benign. Last evaluated: 2022-09-01. Review status: criteria provided, single submitter. Criteria: CeGaT Center For Human Genetics Tuebingen Variant Classification Criteria Version 2. Collection method: clinical testing. Allele origin: germline. Affected: yes. Observed: 1 variant allele.
Comment: RHPN1: BP4, BP7

Labcorp Genetics (formerly Invitae), Labcorp
Classification: Benign. Last evaluated: 2017-11-02. Review status: criteria provided, single submitter. Criteria: Invitae Variant Classification Sherloc (09022015). Collection method: clinical testing. Allele origin: germline.